The following is an entry in ClinVar:

ClinVar aggregate classification (germline): Uncertain significance. Review status: criteria provided, multiple submitters, no conflicts (2 of 4 stars). 6 submissions from 6 submitters: Uncertain significance (3). 3 of the submissions do not count toward it. Last evaluated 2024-08-27.

Conditions:
Inborn genetic diseases. Identifiers: MedGen C0950123, MeSH D030342.

Allele frequency attached by ClinVar (database versions not stated): gnomAD exomes below 0.00001 and 0.00002; ExAC 0.00001; TOPMed 0.00002; gnomAD 0.00005 and 0.00006.
gnomAD v4.1: 37 of 1,606,042 alleles (0.0023%); highest among the groups gnomAD compares: Non-Finnish European, 0.0027%; no homozygotes.

Submissions (6):

Blueprint Genetics
Classification: Uncertain significance. Last evaluated: 2024-08-27. Review status: criteria provided, single submitter. Criteria: ACMG Guidelines, 2015. Collection method: clinical testing. Allele origin: germline.

Ambry Genetics
Classification: Uncertain significance for Inborn genetic diseases. Last evaluated: 2024-05-14. Review status: criteria provided, single submitter. Criteria: Ambry Variant Classification Scheme 2023. Collection method: clinical testing. Allele origin: germline.

Labcorp Genetics (formerly Invitae), Labcorp
Classification: Uncertain significance. Last evaluated: 2021-05-17. Review status: criteria provided, single submitter. Criteria: Invitae Variant Classification Sherloc (09022015). Collection method: clinical testing. Allele origin: germline.
Comment: This sequence change replaces arginine with cysteine at codon 596 of the ZNF408 protein (p.Arg596Cys). The arginine residue is highly conserved and there is a large physicochemical difference between arginine and cysteine. In summary, the available evidence is currently insufficient to determine the role of this variant in disease. Therefore, it has been classified as a Variant of Uncertain Significance. Algorithms developed to predict the effect of missense changes on protein structure and function are either unavailable or do not agree on the potential impact of this missense change (SIFT: "Deleterious"; PolyPhen-2: "Probably Damaging"; Align-GVGD: "Class C0"). This variant has not been reported in the literature in individuals with ZNF408-related conditions. This variant is present in population databases (rs774012371, ExAC 0.009%).

Clinical Genetics DNA and cytogenetics Diagnostics Lab, Erasmus MC, Erasmus Medical Center
Classification: Uncertain significance. Review status: no assertion criteria provided. Collection method: clinical testing. Allele origin: germline. Affected: yes. Study: VKGL Data-share Consensus. Not counted in ClinVar's aggregate classification.

Clinical Genetics, Academic Medical Center
Classification: Uncertain significance. Review status: no assertion criteria provided. Collection method: clinical testing. Allele origin: germline. Affected: yes. Study: VKGL Data-share Consensus. Not counted in ClinVar's aggregate classification.

Joint Genome Diagnostic Labs from Nijmegen and Maastricht, Radboudumc and MUMC+
Classification: Uncertain significance. Review status: no assertion criteria provided. Collection method: clinical testing. Allele origin: germline. Affected: yes. Study: VKGL Data-share Consensus. Not counted in ClinVar's aggregate classification.

NM_024741.3(ZNF408):c.1786C>T (p.Arg596Cys)

Gene: ZNF408 (zinc finger protein 408; plus strand). Cytogenetic location: 11p11.2.
Variant type: single nucleotide variant.
Coding change: c.1786C>T on transcript NM_024741.3 (MANE Select); coding-DNA position 1786, C replaced by T.
Protein change: p.Arg596Cys; replaces arginine 596 with cysteine.
Molecular consequence: missense variant.
Genome position (GRCh38, 1-based): chr11:46,705,486, C>T. VCF-style: chr11-46705486-C-T. GRCh37 (hg19) VCF-style: chr11-46727036-C-T.
Other names: c.1762C>T, p.Arg588Cys (NM_001184751.2); short protein forms R588C, R596C.
Identifiers: ClinVar variation 933647 (VCV000933647.16), dbSNP rs774012371, ClinGen allele CA5966644.